The following is an entry in ClinVar:

NM_005188.4(CBL):c.595A>G (p.Ile199Val)

Gene: CBL (Cbl proto-oncogene; plus strand). Cytogenetic location: 11q23.3.
Variant type: single nucleotide variant.
Coding change: c.595A>G on transcript NM_005188.4 (MANE Select); coding-DNA position 595, A replaced by G.
Protein change: p.Ile199Val; replaces isoleucine 199 with valine.
Molecular consequence: missense variant.
Genome position (GRCh38, 1-based): chr11:119,273,872, A>G. VCF-style: chr11-119273872-A-G. GRCh37 (hg19) VCF-style: chr11-119144582-A-G.
Other names: short protein forms I199V.
Identifiers: ClinVar variation 45210 (VCV000045210.21), dbSNP rs397517082, ClinGen allele CA135743.

ClinVar aggregate classification (germline): Conflicting classifications of pathogenicity. Review status: criteria provided, conflicting classifications (1 of 4 stars). 7 submissions from 7 submitters: Uncertain significance (5); Likely benign (2). Last evaluated 2025-12-09.

Conditions:
Cardiovascular phenotype. Identifiers: MedGen CN230736.
RASopathy. Also called: rasopathies; Noonan spectrum disorder. Identifiers: Orphanet 536391, MedGen C5555857, MONDO:0021060.

Allele frequency attached by ClinVar (database versions not stated): gnomAD 0.00001; gnomAD exomes 0.00002 and 0.00004; TOPMed 0.00002; ExAC 0.00004.
gnomAD v4.1: 25 of 1,613,772 alleles (0.0015%); highest among the groups gnomAD compares: Admixed American, 0.0017%; no homozygotes.

Submissions (7):

Labcorp Genetics (formerly Invitae), Labcorp
Classification: Likely benign for RASopathy. Last evaluated: 2025-12-09. Review status: criteria provided, single submitter. Criteria: Invitae Variant Classification Sherloc (09022015). Collection method: clinical testing. Allele origin: germline.

Blueprint Genetics
Classification: Likely benign. Last evaluated: 2024-09-11. Review status: criteria provided, single submitter. Criteria: ACMG Guidelines, 2015. Collection method: clinical testing. Allele origin: germline.

Ambry Genetics
Classification: Uncertain significance for Cardiovascular phenotype. Last evaluated: 2024-06-13. Review status: criteria provided, single submitter. Criteria: Ambry Variant Classification Scheme 2023. Collection method: clinical testing. Allele origin: germline.
Comment: The p.I199V variant (also known as c.595A>G), located in coding exon 4 of the CBL gene, results from an A to G substitution at nucleotide position 595. The isoleucine at codon 199 is replaced by valine, an amino acid with highly similar properties. This amino acid position is highly conserved in available vertebrate species. In addition, the in silico prediction for this alteration is inconclusive. Based on the available evidence, the clinical significance of this variant remains unclear.

Women's Health and Genetics/Laboratory Corporation of America, LabCorp
Classification: Uncertain significance. Last evaluated: 2024-04-22. Review status: criteria provided, single submitter. Criteria: LabCorp Variant Classification Summary - May 2015. Collection method: clinical testing. Allele origin: germline.
Comment: Variant summary: CBL c.595A>G (p.Ile199Val) results in a conservative amino acid change located in the Adaptor protein Cbl, EF hand-like domain (IPR014741) of the encoded protein sequence. Three of five in-silico tools predict a benign effect of the variant on protein function. The variant allele was found at a frequency of 4.4e-05 in 251430 control chromosomes. To our knowledge, no occurrence of c.595A>G in individuals affected with Noonan Syndrome-Like Disorder and no experimental evidence demonstrating its impact on protein function have been reported. ClinVar contains an entry for this variant (Variation ID: 45210). Based on the evidence outlined above, the variant was classified as uncertain significance.

GeneDx
Classification: Uncertain significance. Last evaluated: 2015-12-24. Review status: criteria provided, single submitter. Criteria: GeneDx Variant Classification (06012015). Collection method: clinical testing. Allele origin: germline. Affected: yes.
Comment: The I199V variant has not been published as a pathogenic variant, nor has it been reported as a benign polymorphism to our knowledge. The I199V variant was not observed in approximately 6,500 individuals of European and African American ancestry in the NHLBI Exome Sequencing Project, indicating it is not a common benign variant in these populations. The I199V variant is a conservative amino acid substitution, which is not likely to impact secondary protein structure as these residues share similar properties. This substitution occurs at a position that is conserved across species. In silico analysis is inconsistent in its predictions as to whether or not the variant is damaging to the protein structure/function. Therefore, based on the currently available information, it is unclear whether this variant is a pathogenic or a rare benign variant.

Genetic Services Laboratory, University of Chicago
Classification: Uncertain significance. Last evaluated: 2015-09-22. Review status: criteria provided, single submitter. Criteria: ACMG Guidelines, 2015. Collection method: clinical testing. Allele origin: germline. Affected: no.

Laboratory for Molecular Medicine, Mass General Brigham Personalized Medicine
Classification: Uncertain significance. Last evaluated: 2012-10-18. Review status: criteria provided, single submitter. Criteria: LMM Criteria. Collection method: clinical testing. Allele origin: germline. Observed: 2 variant alleles.
Comment: The Ile199Val variant in CBL has not been previously reported in the literature or been previously identified by our laboratory. Computational analyses (biochem ical amino acid properties, conservation, AlignGVGD, PolyPhen2, and SIFT) do not provide strong support for or against an impact to the normal function of the p rotein. In summary, additional information is needed to fully assess the clinica l significance of the Ile199Val variant.